The following is an entry in ClinVar:

ClinVar aggregate classification (germline): Uncertain significance (1 of 4 stars; one submission).

Conditions:
Hereditary cancer-predisposing syndrome. Also called: Tumor predisposition; Hereditary neoplastic syndrome; Neoplastic Syndromes, Hereditary; Hereditary Cancer Syndrome. Identifiers: Orphanet 140162, MedGen C0027672, MeSH D009386, MONDO:0015356.

Submission:

Ambry Genetics
Classification: Uncertain significance for Hereditary cancer-predisposing syndrome. Last evaluated: 2019-09-18. Review status: criteria provided, single submitter. Criteria: Ambry Variant Classification Scheme 2023. Collection method: clinical testing. Allele origin: germline.
Comment: The p.A436V variant (also known as c.1307C>T), located in coding exon 7 of the SMARCA4 gene, results from a C to T substitution at nucleotide position 1307. The alanine at codon 436 is replaced by valine, an amino acid with similar properties. This amino acid position is well conserved in available vertebrate species. In addition, this alteration is predicted to be tolerated by in silico analysis. Since supporting evidence is limited at this time, the clinical significance of this alteration remains unclear.

NM_003072.5(SMARCA4):c.1307C>T (p.Ala436Val)

Gene: SMARCA4 (SWI/SNF related BAF chromatin remodeling complex subunit ATPase 4; plus strand). Cytogenetic location: 19p13.2.
Variant type: single nucleotide variant.
Coding change: c.1307C>T on transcript NM_003072.5 (MANE Select); coding-DNA position 1307, C replaced by T.
Protein change: p.Ala436Val; replaces alanine 436 with valine.
Molecular consequence: missense variant. On other transcripts: non-coding transcript variant (1).
Genome position (GRCh38, 1-based): chr19:10,991,211, C>T. VCF-style: chr19-10991211-C-T. GRCh37 (hg19) VCF-style: chr19-11101887-C-T.
Other names: c.1307C>T, p.Ala436Val (NM_001128845.2, NM_001128847.4, NM_001128849.3 and 4 more transcripts); short protein forms A436V.
Identifiers: ClinVar variation 818873 (VCV000818873.4), dbSNP rs1600023098, ClinGen allele CA404060694.